The following is an entry in ClinVar:

ClinVar aggregate classification (germline): Pathogenic (1 of 4 stars; one submission).

Conditions:
Familial adenomatous polyposis 1 (FAP1). Also called: FAMILIAL ADENOMATOUS POLYPOSIS 1, ATTENUATED; POLYPOSIS, ADENOMATOUS INTESTINAL. Identifiers: MedGen C2713442, MONDO:0021056, OMIM 175100. Disease mechanism: loss of function.

Submission:

Myriad Genetics, Inc.
Classification: Pathogenic for Familial adenomatous polyposis 1. Last evaluated: 2024-04-30. Review status: criteria provided, single submitter. Criteria: Myriad Autosomal Dominant, Autosomal Recessive and X-Linked Classification Criteria (2023). Collection method: clinical testing. Allele origin: unknown.
Comment: This variant is considered pathogenic. This variant creates a frameshift predicted to result in premature protein truncation.

NM_000038.6(APC):c.3700del (p.Ser1234fs)

Gene: APC (APC regulator of Wnt signaling pathway; plus strand). Cytogenetic location: 5q22.2.
Variant type: Deletion.
Coding change: c.3700del on transcript NM_000038.6 (MANE Select); coding-DNA position 3700, one base deleted (A; older notation c.3700delA).
Protein change: p.Ser1234fs; shifts the reading frame from serine 1234.
Molecular consequence: frameshift variant. On other transcripts: non-coding transcript variant (2).
Genome position (GRCh38, 1-based): chr5:112,839,294, A deleted; the last of 2 consecutive A bases (chr5:112,839,293-112,839,294); deleting either gives the same sequence. VCF-style (leftmost placement, unchanged base first): chr5-112839292-CA-C. GRCh37 (hg19) VCF-style: chr5-112174989-CA-C.
Other names: c.3397del, p.Ser1133fs (NM_001407458.1, NM_001407459.1, NM_001407460.1 and 1 more transcripts); c.3451del, p.Ser1151fs (NM_001407457.1, NM_001407454.1, NM_001407455.1 and 1 more transcripts); c.3313del, p.Ser1105fs (NM_001407467.1, NM_001407469.1); c.2548del, p.Ser850fs (NM_001407471.1, NM_001407472.1); c.2851del, p.Ser951fs (NM_001407470.1, NM_001354906.2); c.3700del, p.Ser1234fs (NM_001127510.3, NM_001354895.2, NM_001407450.1); c.3646del, p.Ser1216fs (NM_001127511.3); c.3754del, p.Ser1252fs (NM_001354896.2, NM_001407447.1, NM_001407448.1 and 1 more transcripts); and 11 more; short protein forms S1074fs, S1105fs, S1108fs, S1133fs, S1143fs, S1151fs, S1175fs, S1193fs.
Identifiers: ClinVar variation 3254192 (VCV003254192.1), dbSNP rs2533517578.